The following is an entry in ClinVar:

ClinVar aggregate classification (germline): Conflicting classifications of pathogenicity. Review status: criteria provided, conflicting classifications (1 of 4 stars). 3 submissions from 3 submitters: Uncertain significance (2); Likely benign (1). Last evaluated 2024-09-14.

Conditions:
X-linked myopathy with postural muscle atrophy. Also called: FHL1-Related Emery-Dreifuss Muscular Dystrophy, X-Linked. Identifiers: Orphanet 178461, MedGen C2678055, MONDO:0010401, OMIM 300696.

Allele frequency attached by ClinVar (database versions not stated): gnomAD exomes 0.00001; gnomAD 0.00002; TOPMed 0.00003.
gnomAD v4.1: 11 of 1,211,544 alleles (0.00091%); highest among the groups gnomAD compares: Non-Finnish European, 0.0012%; no homozygotes.

Submissions (3):

Blueprint Genetics
Classification: Likely benign. Last evaluated: 2024-09-14. Review status: criteria provided, single submitter. Criteria: ACMG Guidelines, 2015. Collection method: clinical testing. Allele origin: germline.

Labcorp Genetics (formerly Invitae), Labcorp
Classification: Uncertain significance for X-linked myopathy with postural muscle atrophy. Last evaluated: 2024-08-05. Review status: criteria provided, single submitter. Criteria: Invitae Variant Classification Sherloc (09022015). Collection method: clinical testing. Allele origin: germline.
Comment: This sequence change replaces asparagine, which is neutral and polar, with serine, which is neutral and polar, at codon 38 of the FHL1 protein (p.Asn38Ser). This variant is present in population databases (no rsID available, gnomAD 0.001%). This missense change has been observed in individual(s) with hypertrophic cardiomyopathy (PMID: 27532257). ClinVar contains an entry for this variant (Variation ID: 288500). An algorithm developed to predict the effect of missense changes on protein structure and function (PolyPhen-2) suggests that this variant is likely to be disruptive. In summary, the available evidence is currently insufficient to determine the role of this variant in disease. Therefore, it has been classified as a Variant of Uncertain Significance.

Eurofins Ntd Llc (ga)
Classification: Uncertain significance. Last evaluated: 2016-06-06. Review status: criteria provided, single submitter. Criteria: EGL Classification Definitions 2015. Collection method: clinical testing. Allele origin: germline. Observed: 1 variant allele, 1 heterozygote.

Literature cited by the submitters: PubMed 27532257 (cited by Labcorp Genetics (formerly Invitae), Labcorp).

NM_001159699.2(FHL1):c.161A>G (p.Asn54Ser)

Gene: FHL1 (four and a half LIM domains 1; plus strand). Cytogenetic location: Xq26.3.
Variant type: single nucleotide variant.
Coding change: c.161A>G on transcript NM_001159699.2 (MANE Select); coding-DNA position 161, A replaced by G.
Protein change: p.Asn54Ser; replaces asparagine 54 with serine.
Molecular consequence: missense variant. On other transcripts: non-coding transcript variant (1).
Genome position (GRCh38, 1-based): chrX:136,206,545, A>G. VCF-style: chrX-136206545-A-G. GRCh37 (hg19) VCF-style: chrX-135288704-A-G.
Other names: c.113A>G, p.Asn38Ser (NM_001159700.2, NM_001159702.3, NM_001159703.2 and 9 more transcripts); c.200A>G, p.Asn67Ser (NM_001159701.2); c.161A>G, p.Asn54Ser (NM_001330659.2); short protein forms N38S, N54S, N67S.
Identifiers: ClinVar variation 288500 (VCV000288500.10), dbSNP rs886043917, ClinGen allele CA10606110.
Genomic context (GRCh38, chrX:136,206,545, plus strand): 5'-AGTATGTGCAAAAGGATGGCCACCACTGCTGCCTGAAATGCTTTGACAAGTTCTGTGCCA[A>G]CACCTGTGTGGAATGCCGCAAGCCCATCGGTGCGGACTCCAAGGTAACGGGCATCCCCAT-3'
Protein context (NP_001153171.1, residues 44-64): CLKCFDKFCA[Asn54Ser]TCVECRKPIG